The following is an entry in ClinVar:

NM_016156.6(MTMR2):c.263-164A>G

Gene: MTMR2 (myotubularin related protein 2; minus strand). Cytogenetic location: 11q21.
Variant type: single nucleotide variant.
Coding change: c.263-164A>G on transcript NM_016156.6 (MANE Select); 164 bases into the intron before coding-DNA position 263, A replaced by G.
Molecular consequence: intron variant.
Genome position (GRCh38, 1-based): chr11:95,862,530, T>C on the plus strand (A>G on the coding strand, the complement: MTMR2 is on the minus strand). VCF-style: chr11-95862530-T-C. GRCh37 (hg19) VCF-style: chr11-95595694-T-C.
Other names: NC_000011.9:g.95595694T>C; c.47-164A>G (NM_201281.3, NM_201278.3, NM_001243571.2).
Identifiers: ClinVar variation 673447 (VCV000673447.2), dbSNP rs552334, ClinGen allele CA15681862.

ClinVar aggregate classification (germline): Benign (1 of 4 stars; one submission).

Allele frequency attached by ClinVar (database versions not stated): gnomAD 0.63673 and 0.62685; 1000 Genomes Project 0.59265; 1000 Genomes Project 30x 0.60228; TOPMed 0.63985.
gnomAD v4.1: 95,097 of 152,028 alleles (63%); highest among the groups gnomAD compares: African/African-American, 85%; 31,410 homozygotes.

Submissions (4):

GeneDx
Classification: Benign. Last evaluated: 2018-06-14. Review status: criteria provided, single submitter. Criteria: GeneDx Variant Classification (06012015). Collection method: clinical testing. Allele origin: germline. Affected: yes.
Comment: This variant is considered likely benign or benign based on one or more of the following criteria: it is a conservative change, it occurs at a poorly conserved position in the protein, it is predicted to be benign by multiple in silico algorithms, and/or has population frequency not consistent with disease.

Dr. Peter K. Rogan Lab, Western University
No classification provided (evidence only). Condition: Uterine carcinosarcoma. Review status: no classification provided. Collection method: in vitro. Allele origin: not applicable. Functional consequence: retained intron. Not counted in ClinVar's aggregate classification.

Dr. Peter K. Rogan Lab, Western University
No classification provided (evidence only). Condition: Uterine carcinosarcoma. Review status: no classification provided. Collection method: in vitro. Allele origin: not applicable. Functional consequence: retained intron. Not counted in ClinVar's aggregate classification.

Dr. Peter K. Rogan Lab, Western University
No classification provided (evidence only). Condition: Uterine carcinosarcoma. Review status: no classification provided. Collection method: in vitro. Allele origin: not applicable. Functional consequence: retained intron. Not counted in ClinVar's aggregate classification.